The following is an entry in ClinVar:

NM_001003694.2(BRPF1):c.2056C>T (p.Gln686Ter)

Gene: BRPF1 (bromodomain and PHD finger containing 1; plus strand). Cytogenetic location: 3p25.3.
Variant type: single nucleotide variant.
Coding change: c.2056C>T on transcript NM_001003694.2 (MANE Select); coding-DNA position 2056, C replaced by T.
Protein change: p.Gln686Ter; replaces glutamine 686 with a stop codon.
Molecular consequence: nonsense. On other transcripts: non-coding transcript variant (1).
Genome position (GRCh38, 1-based): chr3:9,742,998, C>T. VCF-style: chr3-9742998-C-T. GRCh37 (hg19) VCF-style: chr3-9784682-C-T.
Other names: c.2038C>T, p.Gln680Ter (NM_001319049.2, NM_001319050.2, NM_001437892.1 and 4 more transcripts); c.2056C>T, p.Gln686Ter (NM_001410704.1, NM_001438344.1, NM_001438345.1); short protein forms Q680*, Q686*.
Identifiers: ClinVar variation 4531913 (VCV004531913.1).

ClinVar aggregate classification (germline): Pathogenic (1 of 4 stars; one submission).

Conditions:
Intellectual developmental disorder with dysmorphic facies and ptosis (IDDDFP). Identifiers: Orphanet 698090, MedGen C4310617, MONDO:0015022, OMIM 617333.

Submission:

Victorian Clinical Genetics Services, Murdoch Childrens Research Institute
Classification: Pathogenic for Intellectual developmental disorder with dysmorphic facies and ptosis. Last evaluated: 2025-03-26. Review status: criteria provided, single submitter. Criteria: ACMG Guidelines, 2015. Collection method: clinical testing. Allele origin: germline. Affected: yes.
Comment: This variant is classified as Pathogenic. Evidence in support of pathogenic classification: Variant is predicted to cause nonsense-mediated decay (NMD) and loss of protein (premature termination codon is located at least 54 nucleotides upstream of the final exon-exon junction); Variant is absent from gnomAD (v2, v3 and v4); Other NMD-predicted variant(s) comparable to the one identified in this case have very strong previous evidence for pathogenicity (DECIPHER). Additional information: This variant is heterozygous; This gene is associated with autosomal dominant disease; This variant has no previous evidence of pathogenicity; No published segregation evidence has been identified for this variant; No published functional evidence has been identified for this variant; Loss of function is a known mechanism of disease in this gene and is associated with intellectual developmental disorder with dysmorphic facies and ptosis (MIM#617333); Inheritance information for this variant is not currently available in this individual.